The following is an entry in ClinVar:

NM_007294.4(BRCA1):c.1460T>G (p.Val487Gly)

Gene: BRCA1 (BRCA1 DNA repair associated; minus strand). Cytogenetic location: 17q21.31.
Variant type: single nucleotide variant.
Coding change: c.1460T>G on transcript NM_007294.4 (MANE Select); coding-DNA position 1460, T replaced by G.
Protein change: p.Val487Gly; replaces valine 487 with glycine.
Molecular consequence: missense variant. On other transcripts: intron variant (137).
Genome position (GRCh38, 1-based): chr17:43,094,071, A>C on the plus strand (T>G on the coding strand, the complement: BRCA1 is on the minus strand). VCF-style: chr17-43094071-A-C. GRCh37 (hg19) VCF-style: chr17-41246088-A-C.
Other names: c.1457T>G, p.Val486Gly (NM_001407591.1, NM_001407610.1, NM_001407611.1 and 22 more transcripts); c.1460T>G, p.Val487Gly (NM_001407593.1, NM_001407594.1, NM_001407596.1 and 30 more transcripts); c.1451T>G, p.Val484Gly (NM_001407646.1, NM_001407647.1); c.1337T>G, p.Val446Gly (NM_001407648.1, NM_001407664.1, NM_001407665.1 and 19 more transcripts); c.1334T>G, p.Val445Gly (NM_001407649.1, NM_001407670.1, NM_001407671.1 and 11 more transcripts); c.1382T>G, p.Val461Gly (NM_001407653.1, NM_001407654.1, NM_001407655.1 and 4 more transcripts); c.1379T>G, p.Val460Gly (NM_001407659.1, NM_001407660.1, NM_001407661.1 and 1 more transcripts); c.1319T>G, p.Val440Gly (NM_001407692.1, NM_001407694.1, NM_001407695.1 and 29 more transcripts); and 40 more; short protein forms V487G, V440G, V191G, V439G, V445G, V460G, V319G, V375G.
Identifiers: ClinVar variation 482955 (VCV000482955.14), dbSNP rs748812609, ClinGen allele CA057270.

ClinVar aggregate classification (germline): Conflicting classifications of pathogenicity. Review status: criteria provided, conflicting classifications (1 of 4 stars). 4 submissions from 4 submitters: Uncertain significance (3); Likely benign (1). Last evaluated 2023-03-23.

Conditions:
Hereditary breast ovarian cancer syndrome. Also called: Hereditary breast and ovarian cancer syndrome; Hereditary breast and ovarian cancer; Hereditary breast and ovarian cancer syndrome (HBOC); Breast and ovarian cancer; Hereditary breast and/or ovarian cancer syndrome; BRCA1- and BRCA2-Associated Hereditary Breast and Ovarian Cancer. Identifiers: Orphanet 145, MedGen C0677776, MeSH D061325, MONDO:0003582. Disease mechanism: loss of function.
Hereditary cancer-predisposing syndrome. Also called: Neoplastic Syndromes, Hereditary; Tumor predisposition; Hereditary Cancer Syndrome; Hereditary neoplastic syndrome. Identifiers: Orphanet 140162, MedGen C0027672, MeSH D009386, MONDO:0015356.

Allele frequency attached by ClinVar (database versions not stated): gnomAD exomes 0.00001 and 0.00003; ExAC 0.00005.
gnomAD v4.1: 16 of 1,614,154 alleles (0.00099%); highest among the groups gnomAD compares: South Asian, 0.018%; no homozygotes.

Submissions (4):

University of Washington Department of Laboratory Medicine, University of Washington
Classification: Likely benign for Hereditary cancer-predisposing syndrome. Last evaluated: 2023-03-23. Review status: criteria provided, single submitter. Criteria: Dines et al. (Genet Med. 2020). Collection method: curation. Allele origin: germline.
Comment: Missense variant in a coldspot region where missense variants are very unlikely to be pathogenic (PMID:31911673).

BRCA1 coldspot (exon 11 using historical exon numbering). Reclassification based on statistical prior probability

Labcorp Genetics (formerly Invitae), Labcorp
Classification: Uncertain significance for Hereditary breast ovarian cancer syndrome. Last evaluated: 2023-02-14. Review status: criteria provided, single submitter. Criteria: Invitae Variant Classification Sherloc (09022015). Collection method: clinical testing. Allele origin: germline.
Comment: This variant is present in population databases (rs748812609, gnomAD 0.03%). In summary, the available evidence is currently insufficient to determine the role of this variant in disease. Therefore, it has been classified as a Variant of Uncertain Significance. Advanced modeling of protein sequence and biophysical properties (such as structural, functional, and spatial information, amino acid conservation, physicochemical variation, residue mobility, and thermodynamic stability) performed at Invitae indicates that this missense variant is not expected to disrupt BRCA1 protein function. ClinVar contains an entry for this variant (Variation ID: 482955). This variant has not been reported in the literature in individuals affected with BRCA1-related conditions. This sequence change replaces valine, which is neutral and non-polar, with glycine, which is neutral and non-polar, at codon 487 of the BRCA1 protein (p.Val487Gly).

Color Diagnostics, LLC DBA Color Health
Classification: Uncertain significance for Hereditary cancer-predisposing syndrome. Last evaluated: 2019-04-23. Review status: criteria provided, single submitter. Criteria: ACMG Guidelines, 2015. Collection method: clinical testing. Allele origin: germline.

Ambry Genetics
Classification: Uncertain significance for Hereditary cancer-predisposing syndrome. Last evaluated: 2017-07-05. Review status: criteria provided, single submitter. Criteria: Ambry Variant Classification Scheme 2023. Collection method: clinical testing. Allele origin: germline.
Comment: The p.V487G variant (also known as c.1460T>G), located in coding exon 9 of the BRCA1 gene, results from a T to G substitution at nucleotide position 1460. The valine at codon 487 is replaced by glycine, an amino acid with dissimilar properties. This amino acid position is poorly conserved in available vertebrate species. In addition, the in silico prediction for this alteration is inconclusive. Since supporting evidence is limited at this time, the clinical significance of this alteration remains unclear.